The following is an entry in ClinVar:

ClinVar aggregate classification (germline): Benign. Review status: criteria provided, multiple submitters, no conflicts (2 of 4 stars). 4 submissions from 4 submitters: Benign (3). 1 of the submissions does not count toward it. Last evaluated 2023-09-08.

Conditions:
LAMA3-related disorder. Also called: LAMA3-related disorders; LAMA3-related condition.

Allele frequency attached by ClinVar (database versions not stated): 1000 Genomes Project 0.01717; ESP Exome Variant Server 0.00563; gnomAD 0.00662 and 0.00870; TOPMed 0.00713; gnomAD exomes 0.01075 and 0.01409; ExAC 0.01519; 1000 Genomes Project 30x 0.01655.
gnomAD v4.1: 17,127 of 1,612,818 alleles (1.1%); highest among the groups gnomAD compares: South Asian, 6.3%; 291 homozygotes.

Submissions (4):

Labcorp Genetics (formerly Invitae), Labcorp
Classification: Benign. Last evaluated: 2023-09-08. Review status: criteria provided, single submitter. Criteria: Invitae Variant Classification Sherloc (09022015). Collection method: clinical testing. Allele origin: germline.

GeneDx
Classification: Benign. Last evaluated: 2021-05-05. Review status: criteria provided, single submitter. Criteria: GeneDx Variant Classification Process June 2021. Collection method: clinical testing. Allele origin: germline. Affected: yes.

Breakthrough Genomics
Classification: Benign. Review status: criteria provided, single submitter. Criteria: ACMG Guidelines, 2015. Collection method: not provided. Allele origin: germline. Inheritance: Autosomal recessive inheritance. Affected: yes.

PreventionGenetics, part of Exact Sciences
Classification: Benign for LAMA3-related condition. Last evaluated: 2019-07-03. Review status: no assertion criteria provided. Collection method: clinical testing. Allele origin: germline. Not counted in ClinVar's aggregate classification.
Comment: This variant is classified as benign based on ACMG/AMP sequence variant interpretation guidelines (Richards et al. 2015 PMID: 25741868, with internal and published modifications).

NM_198129.4(LAMA3):c.1806G>A (p.Lys602=)

Gene: LAMA3 (laminin subunit alpha 3; plus strand). Cytogenetic location: 18q11.2.
Variant type: single nucleotide variant.
Coding change: c.1806G>A on transcript NM_198129.4 (MANE Select); coding-DNA position 1806, G replaced by A.
Protein change: p.Lys602=; no amino-acid change (lysine 602 retained).
Molecular consequence: synonymous variant.
Genome position (GRCh38, 1-based): chr18:23,814,420, G>A. VCF-style: chr18-23814420-G-A. GRCh37 (hg19) VCF-style: chr18-21394384-G-A.
Other names: c.1806G>A, p.Lys602= (NM_001127717.4); c.1806G>A (NM_198129.2).
Identifiers: ClinVar variation 1164323 (VCV001164323.12), dbSNP rs34713637, ClinGen allele CA8914751.
Genomic context (GRCh38, chr18:23,814,420, plus strand): 5'-TTAATTCCAAGATGTCAAATGTTTGTTTGATTTTCATTCAAAGGGGTATTGCCAATGCAA[G>A]CTTCATGTTGAAGGTCCTACTTGTAGCCGCTGCAAACTGTTATATTGGAATCTGGACAAA-3'
Protein context (NP_937762.2, residues 592-612): INSNLGYCQC[Lys602=]LHVEGPTCSR